The following is an entry in ClinVar:

NM_198060.4(NRAP):c.4684C>T (p.Gln1562Ter)

Gene: NRAP (nebulin related anchoring protein; minus strand). Cytogenetic location: 10q25.3.
Variant type: single nucleotide variant.
Coding change: c.4684C>T on transcript NM_198060.4 (MANE Select); coding-DNA position 4684, C replaced by T.
Protein change: p.Gln1562Ter; replaces glutamine 1562 with a stop codon.
Molecular consequence: nonsense.
Genome position (GRCh38, 1-based): chr10:113,590,850, G>A on the plus strand (C>T on the coding strand, the complement: NRAP is on the minus strand). VCF-style: chr10-113590850-G-A. GRCh37 (hg19) VCF-style: chr10-115350609-G-A.
Other names: c.4684C>T, p.Gln1562Ter (NM_001261463.2); c.4576C>T, p.Gln1526Ter (NM_001322945.2); c.4579C>T, p.Gln1527Ter (NM_006175.5); short protein forms Q1526*, Q1527*, Q1562*.
Identifiers: ClinVar variation 4882913 (VCV004882913.2).

ClinVar aggregate classification (germline): Likely pathogenic (1 of 4 stars; one submission).

gnomAD v4.1: 1 of 1,614,206 alleles (0.000062%); highest among the groups gnomAD compares: Non-Finnish European, 0.000085%; no homozygotes.

Submission:

Dasa
Classification: Likely pathogenic. Last evaluated: 2025-10-02. Review status: criteria provided, single submitter. Criteria: DASA Assertion Criteria. Collection method: clinical testing. Allele origin: germline.
Comment: NM_198060.4(NRAP):c.4684C>T (p.Gln1562*) is a nonsense variant in NRAP predicted to introduce a premature termination codon and is predicted to result in an absent or altered protein product. Loss of function is an established disease mechanism for NRAP-associated disorders. Also, this variant is rare in population databases. Based on the currently available evidence, this variant is classified as likely pathogenic.